The following is an entry in ClinVar:

ClinVar aggregate classification (germline): Uncertain significance (1 of 4 stars; one submission).

Submission:

GeneDx
Classification: Uncertain significance. Last evaluated: 2025-06-18. Review status: criteria provided, single submitter. Criteria: GeneDx Variant Classification Process June 2021. Collection method: clinical testing. Allele origin: germline. Affected: yes.
Comment: Not observed at significant frequency in large population cohorts (gnomAD); In silico analysis suggests that this missense variant does not alter protein structure/function; Has not been previously published as pathogenic or benign to our knowledge

NM_017934.7(PHIP):c.5065T>C (p.Ser1689Pro)

Genes: IRAK1BP1 (interleukin 1 receptor associated kinase 1 binding protein 1; plus strand), PHIP (PHIP subunit of CUL4-Ring ligase complex; minus strand). Cytogenetic location: 6q14.1.
Variant type: single nucleotide variant.
Coding change: c.5065T>C on transcript NM_017934.7 (MANE Select); coding-DNA position 5065, T replaced by C.
Protein change: p.Ser1689Pro; replaces serine 1689 with proline.
Molecular consequence: missense variant.
Genome position (GRCh38, 1-based): chr6:78,941,094, A>G on the plus strand (T>C on the coding strand, the complement: PHIP is on the minus strand). VCF-style: chr6-78941094-A-G. GRCh37 (hg19) VCF-style: chr6-79650811-A-G.
Other names: short protein forms S1689P.
Identifiers: ClinVar variation 4538698 (VCV004538698.1).